The following is an entry in ClinVar:

ClinVar aggregate classification (germline): Uncertain significance. Review status: criteria provided, multiple submitters, no conflicts (2 of 4 stars). 4 submissions from 4 submitters: Uncertain significance (4). Last evaluated 2025-05-17.

Conditions:
Ehlers-Danlos syndrome, kyphoscoliotic type, 2. Also called: Ehlers-Danlos syndrome, kyphoscoliotic and deafness type; FKBP14-Kyphoscoliotic Ehlers-Danlos Syndrome; Ehlers-Danlos syndrome with progressive kyphoscoliosis, myopathy, and hearing loss. Identifiers: Orphanet 300179, MedGen C3281160, MONDO:0013800, OMIM 614557.
Cardiovascular phenotype. Identifiers: MedGen CN230736.

Allele frequency attached by ClinVar (database versions not stated): gnomAD exomes 0.00001 and 0.00003; ExAC 0.00003; ESP Exome Variant Server 0.00008; gnomAD 0.00009 and 0.00011; TOPMed 0.00011.
gnomAD v4.1: 37 of 1,614,014 alleles (0.0023%); highest among the groups gnomAD compares: African/African-American, 0.033%; no homozygotes.

Submissions (4):

Ambry Genetics
Classification: Uncertain significance for Cardiovascular phenotype. Last evaluated: 2025-05-17. Review status: criteria provided, single submitter. Criteria: Ambry Variant Classification Scheme 2023. Collection method: clinical testing. Allele origin: germline.

Mayo Clinic Laboratories, Mayo Clinic
Classification: Uncertain significance. Last evaluated: 2024-05-13. Review status: criteria provided, single submitter. Criteria: ACMG Guidelines, 2015. Collection method: clinical testing. Allele origin: germline. Observed: 1 variant allele.
Comment: BP4

Labcorp Genetics (formerly Invitae), Labcorp
Classification: Uncertain significance for Ehlers-Danlos syndrome, kyphoscoliotic type, 2. Last evaluated: 2022-07-26. Review status: criteria provided, single submitter. Criteria: Invitae Variant Classification Sherloc (09022015). Collection method: clinical testing. Allele origin: germline.
Comment: This sequence change replaces methionine, which is neutral and non-polar, with isoleucine, which is neutral and non-polar, at codon 48 of the FKBP14 protein (p.Met48Ile). This variant is present in population databases (rs141850025, gnomAD 0.03%). This variant has not been reported in the literature in individuals affected with FKBP14-related conditions. ClinVar contains an entry for this variant (Variation ID: 810080). Algorithms developed to predict the effect of missense changes on protein structure and function (SIFT, PolyPhen-2, Align-GVGD) all suggest that this variant is likely to be tolerated. In summary, the available evidence is currently insufficient to determine the role of this variant in disease. Therefore, it has been classified as a Variant of Uncertain Significance.

CeGaT Center for Human Genetics Tuebingen
Classification: Uncertain significance. Last evaluated: 2016-06-01. Review status: criteria provided, single submitter. Criteria: CeGaT Center For Human Genetics Tuebingen Variant Classification Criteria Version 2. Collection method: clinical testing. Allele origin: germline. Affected: yes. Observed: 1 variant allele.

NM_017946.4(FKBP14):c.144G>A (p.Met48Ile)

Genes: FKBP14-AS1 (FKBP14 antisense RNA 1; plus strand), FKBP14 (FKBP prolyl isomerase 14; minus strand). Cytogenetic location: 7p14.3.
Variant type: single nucleotide variant.
Coding change: c.144G>A on transcript NM_017946.4 (MANE Select); coding-DNA position 144, G replaced by A.
Protein change: p.Met48Ile; replaces methionine 48 with isoleucine.
Molecular consequence: missense variant. On other transcripts: non-coding transcript variant (2).
Genome position (GRCh38, 1-based): chr7:30,026,365, C>T on the plus strand (G>A on the coding strand, the complement: FKBP14 is on the minus strand). VCF-style: chr7-30026365-C-T. GRCh37 (hg19) VCF-style: chr7-30065981-C-T.
Other names: p.Met48Ile; short protein forms M48I.
Identifiers: ClinVar variation 810080 (VCV000810080.49), dbSNP rs141850025, ClinGen allele CA4203495.